The following is an entry in ClinVar:

ClinVar aggregate classification (germline): Likely benign (0 of 4 stars; one submission).

Conditions:
TSC1-related disorder. Also called: TSC1-related condition.

Submission:

PreventionGenetics, part of Exact Sciences
Classification: Likely benign for TSC1-related condition. Last evaluated: 2024-01-18. Review status: no assertion criteria provided. Collection method: clinical testing. Allele origin: germline.
Comment: This variant is classified as likely benign based on ACMG/AMP sequence variant interpretation guidelines (Richards et al. 2015 PMID: 25741868, with internal and published modifications).

NM_000368.5(TSC1):c.1578T>C (p.Ser526=)

Gene: TSC1 (TSC complex subunit 1; minus strand). Cytogenetic location: 9q34.13.
Variant type: single nucleotide variant.
Coding change: c.1578T>C on transcript NM_000368.5 (MANE Select); coding-DNA position 1578, T replaced by C.
Protein change: p.Ser526=; no amino-acid change (serine 526 retained).
Molecular consequence: synonymous variant. On other transcripts: non-coding transcript variant (5).
Genome position (GRCh38, 1-based): chr9:132,906,000, A>G on the plus strand (T>C on the coding strand, the complement: TSC1 is on the minus strand). VCF-style: chr9-132906000-A-G. GRCh37 (hg19) VCF-style: chr9-135781387-A-G.
Other names: c.1575T>C, p.Ser525= (NM_001162426.2, NM_001406597.1, NM_001406598.1 and 6 more transcripts); c.1425T>C, p.Ser475= (NM_001162427.2, NM_001406610.1); c.1215T>C, p.Ser405= (NM_001362177.2, NM_001406614.1, NM_001406615.1 and 5 more transcripts); c.1578T>C, p.Ser526= (NM_001406592.1, NM_001406593.1, NM_001406594.1 and 7 more transcripts); c.1422T>C, p.Ser474= (NM_001406611.1, NM_001406612.1, NM_001406613.1); c.1212T>C, p.Ser404= (NM_001406620.1, NM_001406621.1, NM_001406622.1 and 2 more transcripts); c.627T>C, p.Ser209= (NM_001406626.1); c.624T>C, p.Ser208= (NM_001406627.1, NM_001406628.1); and 1 more.
Identifiers: ClinVar variation 3047107 (VCV003047107.2), dbSNP rs2131840632, ClinGen allele CA467590945.